The following is an entry in ClinVar:

NM_032271.3(TRAF7):c.1570C>T (p.Arg524Trp)

Gene: TRAF7 (TNF receptor associated factor 7; plus strand). Cytogenetic location: 16p13.3.
Variant type: single nucleotide variant.
Coding change: c.1570C>T on transcript NM_032271.3 (MANE Select); coding-DNA position 1570, C replaced by T.
Protein change: p.Arg524Trp; replaces arginine 524 with tryptophan.
Molecular consequence: missense variant.
Genome position (GRCh38, 1-based): chr16:2,175,566, C>T. VCF-style: chr16-2175566-C-T. GRCh37 (hg19) VCF-style: chr16-2225567-C-T.
Other names: short protein forms R524W.
Identifiers: ClinVar variation 973071 (VCV000973071.19), dbSNP rs2093132159, ClinGen allele CA394333245.
Genomic context (GRCh38, chr16:2,175,566, plus strand): 5'-GACATCGTGGGCACTGAGCTGAAGTTGAAGAAGGAGCTCACAGGCCTCAACCACTGGGTG[C>T]GGGCCCTGGTGGCTGCCCAGAGCTACCTGTACAGCGGCTCCTACCAGACAATCAAGGTGC-3'
Protein context (NP_115647.2, residues 514-534): KELTGLNHWV[Arg524Trp]ALVAAQSYLY

ClinVar aggregate classification (germline): Pathogenic/Likely pathogenic. Review status: criteria provided, multiple submitters, no conflicts (2 of 4 stars). 8 submissions from 8 submitters: Pathogenic (6); Likely pathogenic (1). 1 of the submissions does not count toward it. Last evaluated 2025-07-30.

Conditions:
TRAF7-related disorder. Also called: TRAF7-related condition.
Cardiac, facial, and digital anomalies with developmental delay. Identifiers: Orphanet 592570, MedGen C4748484, MONDO:0032572, OMIM 618164.

Allele frequency attached by ClinVar (database versions not stated): TOPMed below 0.00001.

Submissions (8):

GeneDx
Classification: Pathogenic. Last evaluated: 2025-07-30. Review status: criteria provided, single submitter. Criteria: GeneDx Variant Classification Process June 2021. Collection method: clinical testing. Allele origin: germline. Affected: yes.
Comment: In silico analysis supports that this missense variant has a deleterious effect on protein structure/function; Not observed at significant frequency in large population cohorts (gnomAD); This variant is associated with the following publications: (PMID: 35599849, 32376980, 27548314, 34247275, 33004838, 35982159, 33057194, 34740920, 38466850)

Laboratoire de Génétique Moléculaire, CHU Bordeaux
Classification: Pathogenic for Cardiac, facial, and digital anomalies with developmental delay. Last evaluated: 2023-07-07. Review status: criteria provided, single submitter. Criteria: ACMG Guidelines, 2015. Collection method: clinical testing. Allele origin: germline. Affected: yes.

Department of Human Genetics, Hannover Medical School
Classification: Pathogenic for Cardiac, facial, and digital anomalies with developmental delay. Last evaluated: 2023-05-24. Review status: criteria provided, single submitter. Criteria: ACMG Guidelines, 2015. Collection method: clinical testing. Allele origin: germline. Inheritance: Autosomal dominant inheritance. Affected: yes.

Victorian Clinical Genetics Services, Murdoch Childrens Research Institute
Classification: Pathogenic for Cardiac, facial, and digital anomalies with developmental delay. Last evaluated: 2022-02-02. Review status: criteria provided, single submitter. Criteria: ACMG Guidelines, 2015. Collection method: clinical testing. Allele origin: germline. Inheritance: Autosomal dominant inheritance.
Comment: Based on the classification scheme VCGS_Germline_v1.3.4, this variant is classified as Pathogenic. Following criteria are met: 0105 - The mechanism of disease for this gene is not clearly established. Only missense variants have been reported so far which is suggestive of a gain-of-function or dominant negative mechanism, rather than haploinsufficiency (PMID: 32376980). 0107- This gene is associated with autosomal dominant disease. (I) 0200 - Variant is predicted to result in a missense amino acid change from arginine to tryptophan. (I) 0251- This variant is heterozygous. (I) 0301 - Variant is absent from gnomAD (both v2 and v3). (SP) 0501 - Missense variant consistently predicted to be damaging by multiple in silico tools or highly conserved with a major amino acid change. (SP) 0600 - Variant is located in the annotated WD repeat domain. Almost all reported pathogenic variants fall in the WD40 repeat domain (PMID: 32376980). (I) 0801 - This variant has strong previous evidence of pathogenicity in unrelated individuals. This variant has been reported in 3 unrelated individuals (2 confirmed de novo, 1 case of maternal mosaicism) with cardiac, facial, and digital anomalies with developmental delay (PMID: 32376980). (SP) 1203 - This variant has been shown to be de novo in the proband (parental status confirmed) (by trio analysis; Broad institute PMID: 32376980). (SP) Legend: (SP) - Supporting pathogenic, (I) - Information, (SB) - Supporting benign

Blueprint Genetics
Classification: Pathogenic for TRAF7-related disorders. Last evaluated: 2021-10-05. Review status: criteria provided, single submitter. Criteria: ACMG Guidelines, 2015. Collection method: clinical testing. Allele origin: de novo. Affected: yes. Observed: 1 variant allele.

Illumina Laboratory Services, Illumina
Classification: Pathogenic for Cardiac, facial, and digital anomalies with developmental delay. Last evaluated: 2021-05-25. Review status: criteria provided, single submitter. Criteria: ICSLVariantClassificationCriteria RUGD 01 April 2020. Collection method: clinical testing. Allele origin: unknown.
Comment: The TRAF7 c.1570C>T (p.Arg524Trp) variant is a missense variant that has been reported to have occurred de novo in three individuals with developmental delay and cardiac, facial and digital anomalies. The variant was also reported in a fourth individual with similar features whose asymptomatic mother was found to be mosaic for the variant, which was called in less than 2% of reads from blood (Castilla-Vallmanya et al. 2020). The p.Arg524Trp variant is not reported in a region of good sequencing coverage in the Genome Aggregation Database (v2.1.1, v3.1.1), indicating it is rare. The variant occurs within the fourth WD40 repeat domain of the protein, consistent with the clustering of the majority of reported TRAF7 missense variants in the WD40 repeats. Based on the collective evidence, the p.Arg524Trp variant is classified as pathogenic for cardiac, facial, and digital anomalies with developmental delay.

Genetics and Molecular Pathology, SA Pathology
Classification: Likely pathogenic for Cardiac, facial, and digital anomalies with developmental delay. Last evaluated: 2020-11-10. Review status: criteria provided, single submitter. Criteria: ACMG Guidelines, 2015. Collection method: clinical testing. Allele origin: germline. Affected: yes.

PreventionGenetics, part of Exact Sciences
Classification: Pathogenic for TRAF7-related condition. Last evaluated: 2024-08-27. Review status: no assertion criteria provided. Collection method: clinical testing. Allele origin: germline. Not counted in ClinVar's aggregate classification.
Comment: The TRAF7 c.1570C>T variant is predicted to result in the amino acid substitution p.Arg524Trp. This variant was reported de novo in multiple individuals with cardiac, facial, and digital anomalies with developmental delay (Supplementary Table S1, Castilla-Vallmanya et al. 2020. PubMed ID: 32376980; Supplementary Table 1, Kaplanis et al. 2020. PubMed ID: 33057194; Chaisrisawadisuk et al. 2021. PubMed ID: 34247275; Supplementary Table 2, Cloney et al. 2021. PubMed ID: 34740920; Elliott et al. 2022. PubMed ID: 35599849). This variant was also reported in an individual with a neurodevelopmental disorder (Supplemental Dataset 5, Wang et al. 2020. PubMed ID: 33004838), and de novo in an individual with autism (Supplementary Data 3, Zhou et al. 2022. PubMed ID: 35982159). This variant has not been reported in a large population database, indicating this variant is rare. This variant is interpreted as pathogenic.

Literature cited by the submitters: PubMed 32376980 (cited by Victorian Clinical Genetics Services, Murdoch Childrens Research Institute and Illumina Laboratory Services, Illumina).